The following is an entry in ClinVar:

NM_015693.4(INTU):c.2255G>C (p.Ser752Thr)

Gene: INTU (inturned planar cell polarity protein; plus strand). Cytogenetic location: 4q28.1.
Variant type: single nucleotide variant.
Coding change: c.2255G>C on transcript NM_015693.4 (MANE Select); coding-DNA position 2255, G replaced by C.
Protein change: p.Ser752Thr; replaces serine 752 with threonine.
Molecular consequence: missense variant.
Genome position (GRCh38, 1-based): chr4:127,706,953, G>C. VCF-style: chr4-127706953-G-C. GRCh37 (hg19) VCF-style: chr4-128628108-G-C.
Other names: short protein forms S752T.
Identifiers: ClinVar variation 1353452 (VCV001353452.6), dbSNP rs764304392, ClinGen allele CA3075277.
Genomic context (GRCh38, chr4:127,706,953, plus strand): 5'-CTACACCGGATGCAGTACGGAAGCAAAGAGAATCTCAGGGCTCTGATGGTTTAGAAGAAA[G>C]TGGGACCTTGCTTAAGGTGTGTGCTTATTCAAGTGTGTATGTTCTGGGAGCTAAGTTGTC-3'
Protein context (NP_056508.2, residues 742-762): ESQGSDGLEE[Ser752Thr]GTLLKVTKKK

ClinVar aggregate classification (germline): Uncertain significance (1 of 4 stars; one submission).

Allele frequency attached by ClinVar (database versions not stated): ExAC 0.00002; gnomAD 0.00002; TOPMed 0.00002.

Submission:

Labcorp Genetics (formerly Invitae), Labcorp
Classification: Uncertain significance. Last evaluated: 2024-03-12. Review status: criteria provided, single submitter. Criteria: Invitae Variant Classification Sherloc (09022015). Collection method: clinical testing. Allele origin: germline.
Comment: This sequence change replaces serine, which is neutral and polar, with threonine, which is neutral and polar, at codon 752 of the INTU protein (p.Ser752Thr). This variant is present in population databases (rs764304392, gnomAD 0.03%). This variant has not been reported in the literature in individuals affected with INTU-related conditions. ClinVar contains an entry for this variant (Variation ID: 1353452). Advanced modeling of protein sequence and biophysical properties (such as structural, functional, and spatial information, amino acid conservation, physicochemical variation, residue mobility, and thermodynamic stability) performed at Invitae indicates that this missense variant is not expected to disrupt INTU protein function with a negative predictive value of 80%. In summary, the available evidence is currently insufficient to determine the role of this variant in disease. Therefore, it has been classified as a Variant of Uncertain Significance.